The following is an entry in ClinVar:

NM_182972.3(IRF2BP2):c.1164G>C (p.Lys388Asn)

Gene: IRF2BP2 (interferon regulatory factor 2 binding protein 2; minus strand). Cytogenetic location: 1q42.3.
Variant type: single nucleotide variant.
Coding change: c.1164G>C on transcript NM_182972.3 (MANE Select); coding-DNA position 1164, G replaced by C.
Protein change: p.Lys388Asn; replaces lysine 388 with asparagine.
Molecular consequence: missense variant.
Genome position (GRCh38, 1-based): chr1:234,607,737, C>G on the plus strand (G>C on the coding strand, the complement: IRF2BP2 is on the minus strand). VCF-style: chr1-234607737-C-G. GRCh37 (hg19) VCF-style: chr1-234743483-C-G.
Other names: c.1116G>C, p.Lys372Asn (NM_001077397.1); short protein forms K372N, K388N.
Identifiers: ClinVar variation 1940230 (VCV001940230.6), dbSNP rs774096943, ClinGen allele CA1461628.

ClinVar aggregate classification (germline): Uncertain significance. Review status: criteria provided, multiple submitters, no conflicts (2 of 4 stars). 2 submissions from 2 submitters: Uncertain significance (2). Last evaluated 2025-11-12.

Conditions:
Immunodeficiency, common variable, 14. Identifiers: Orphanet 696904, MedGen C4540380, MONDO:0054691, OMIM 617765.

Allele frequency attached by ClinVar (database versions not stated): gnomAD exomes below 0.00001; TOPMed below 0.00001; ExAC 0.00001.
gnomAD v4.1: 3 of 1,614,144 alleles (0.00019%); highest among the groups gnomAD compares: Non-Finnish European, 0.00025%; no homozygotes.

Submissions (2):

Department of Human Genetics, Hannover Medical School
Classification: Uncertain significance for Immunodeficiency, common variable, 14. Last evaluated: 2025-11-12. Review status: criteria provided, single submitter. Criteria: ACMG Guidelines, 2015. Collection method: clinical testing. Allele origin: germline. Affected: yes.

Labcorp Genetics (formerly Invitae), Labcorp
Classification: Uncertain significance. Last evaluated: 2024-01-06. Review status: criteria provided, single submitter. Criteria: Invitae Variant Classification Sherloc (09022015). Collection method: clinical testing. Allele origin: germline.
Comment: This sequence change replaces lysine, which is basic and polar, with asparagine, which is neutral and polar, at codon 388 of the IRF2BP2 protein (p.Lys388Asn). This variant is present in population databases (rs774096943, gnomAD 0.0009%). This variant has not been reported in the literature in individuals affected with IRF2BP2-related conditions. ClinVar contains an entry for this variant (Variation ID: 1940230). An algorithm developed to predict the effect of missense changes on protein structure and function (PolyPhen-2) suggests that this variant is likely to be disruptive. In summary, the available evidence is currently insufficient to determine the role of this variant in disease. Therefore, it has been classified as a Variant of Uncertain Significance.